The following is an entry in ClinVar:

ClinVar aggregate classification (germline): Uncertain significance (1 of 4 stars; one submission).

Conditions:
Pityriasis rubra pilaris (PRP). Also called: Pityriasis rubra pilaris--familial type. Identifiers: Orphanet 2897, MedGen C0032027, MONDO:0100017, OMIM 173200, MONDO:0008251.
Psoriasis 2. Identifiers: MedGen C1864497, MONDO:0011269, OMIM 602723.

Allele frequency attached by ClinVar (database versions not stated): gnomAD 0.00001; gnomAD exomes 0.00001 and 0.00002; TOPMed 0.00001; ExAC 0.00003.
gnomAD v4.1: 7 of 1,613,614 alleles (0.00043%); highest among the groups gnomAD compares: Non-Finnish European, 0.00059%; no homozygotes.

Submission:

Labcorp Genetics (formerly Invitae), Labcorp
Classification: Uncertain significance for Pityriasis rubra pilaris; Psoriasis 2. Last evaluated: 2022-08-09. Review status: criteria provided, single submitter. Criteria: Invitae Variant Classification Sherloc (09022015). Collection method: clinical testing. Allele origin: germline.
Comment: This sequence change replaces valine, which is neutral and non-polar, with alanine, which is neutral and non-polar, at codon 830 of the CARD14 protein (p.Val830Ala). In summary, the available evidence is currently insufficient to determine the role of this variant in disease. Therefore, it has been classified as a Variant of Uncertain Significance. Algorithms developed to predict the effect of missense changes on protein structure and function are either unavailable or do not agree on the potential impact of this missense change (SIFT: "Deleterious"; PolyPhen-2: "Probably Damaging"; Align-GVGD: "Class C0"). ClinVar contains an entry for this variant (Variation ID: 1389355). This variant has not been reported in the literature in individuals affected with CARD14-related conditions. This variant is present in population databases (rs772155622, gnomAD 0.005%).

NM_001366385.1(CARD14):c.2489T>C (p.Val830Ala)

Genes: SGSH (N-sulfoglucosamine sulfohydrolase; minus strand), CARD14 (caspase recruitment domain family member 14; plus strand), LOC126862662 (MED14-independent group 3 enhancer GRCh37_chr17:78178385-78179584; plus strand). Cytogenetic location: 17q25.3.
Variant type: single nucleotide variant.
Coding change: c.2489T>C on transcript NM_001366385.1 (MANE Select); coding-DNA position 2489, T replaced by C.
Protein change: p.Val830Ala; replaces valine 830 with alanine.
Molecular consequence: missense variant. On other transcripts: non-coding transcript variant (1).
Genome position (GRCh38, 1-based): chr17:80,205,125, T>C. VCF-style: chr17-80205125-T-C. GRCh37 (hg19) VCF-style: chr17-78178924-T-C.
Other names: c.2489T>C, p.Val830Ala (NM_024110.4); short protein forms V830A.
Identifiers: ClinVar variation 1389355 (VCV001389355.6), dbSNP rs772155622, ClinGen allele CA8817344.